The following is an entry in ClinVar:

ClinVar aggregate classification (germline): Pathogenic (1 of 4 stars; one submission).

Submission:

Labcorp Genetics (formerly Invitae), Labcorp
Classification: Pathogenic. Last evaluated: 2023-11-27. Review status: criteria provided, single submitter. Criteria: Invitae Variant Classification Sherloc (09022015). Collection method: clinical testing. Allele origin: germline.
Comment: This sequence change creates a premature translational stop signal (p.Trp318*) in the PUS1 gene. It is expected to result in an absent or disrupted protein product. Loss-of-function variants in PUS1 are known to be pathogenic (PMID: 17056637, 19731322, 25058219, 26556812). This variant is not present in population databases (gnomAD no frequency). This variant has not been reported in the literature in individuals affected with PUS1-related conditions. For these reasons, this variant has been classified as Pathogenic.

Literature cited by the submitters: PubMed 17056637; PubMed 19731322; PubMed 25058219; PubMed 26556812.

NM_025215.6(PUS1):c.953G>A (p.Trp318Ter)

Gene: PUS1 (pseudouridine synthase 1; plus strand). Cytogenetic location: 12q24.33.
Variant type: single nucleotide variant.
Coding change: c.953G>A on transcript NM_025215.6 (MANE Select); coding-DNA position 953, G replaced by A.
Protein change: p.Trp318Ter; replaces tryptophan 318 with a stop codon.
Molecular consequence: nonsense.
Genome position (GRCh38, 1-based): chr12:131,941,700, G>A. VCF-style: chr12-131941700-G-A. GRCh37 (hg19) VCF-style: chr12-132426245-G-A.
Other names: c.869G>A, p.Trp290Ter (NM_001002019.3, NM_001002020.3); short protein forms W290*, W318*.
Identifiers: ClinVar variation 2699263 (VCV002699263.3), dbSNP rs2540873640, ClinGen allele CA387299527.